The following is an entry in ClinVar:

NM_018124.4(RFWD3):c.2267G>A (p.Arg756His)

Gene: RFWD3 (ring finger and WD repeat domain 3; minus strand). Cytogenetic location: 16q23.1.
Variant type: single nucleotide variant.
Coding change: c.2267G>A on transcript NM_018124.4 (MANE Select); coding-DNA position 2267, G replaced by A.
Protein change: p.Arg756His; replaces arginine 756 with histidine.
Molecular consequence: missense variant.
Genome position (GRCh38, 1-based): chr16:74,623,986, C>T on the plus strand (G>A on the coding strand, the complement: RFWD3 is on the minus strand). VCF-style: chr16-74623986-C-T. GRCh37 (hg19) VCF-style: chr16-74657884-C-T.
Other names: c.2267G>A, p.Arg756His (NM_001370534.1, NM_001370535.1); c.2090G>A, p.Arg697His (NM_001370536.1); c.1433G>A, p.Arg478His (NM_001370537.1, NM_001370539.1, NM_001370540.1 and 3 more transcripts); short protein forms R756H, R697H, R478H.
Identifiers: ClinVar variation 2152265 (VCV002152265.4), dbSNP rs376027907, ClinGen allele CA8168929.

ClinVar aggregate classification (germline): Uncertain significance (1 of 4 stars; one submission).

Allele frequency attached by ClinVar (database versions not stated): gnomAD 0.00002; gnomAD exomes 0.00002; TOPMed 0.00003; ExAC 0.00004; ESP Exome Variant Server 0.00008.
gnomAD v4.1: 29 of 1,613,992 alleles (0.0018%); highest among the groups gnomAD compares: Admixed American, 0.012%; no homozygotes.

Submission:

Labcorp Genetics (formerly Invitae), Labcorp
Classification: Uncertain significance. Last evaluated: 2025-10-07. Review status: criteria provided, single submitter. Criteria: Invitae Variant Classification Sherloc (09022015). Collection method: clinical testing. Allele origin: germline.
Comment: This sequence change replaces arginine, which is basic and polar, with histidine, which is basic and polar, at codon 756 of the RFWD3 protein (p.Arg756His). This variant is present in population databases (rs376027907, gnomAD 0.02%). This variant has not been reported in the literature in individuals affected with RFWD3-related conditions. ClinVar contains an entry for this variant (Variation ID: 2152265). An algorithm developed to predict the effect of missense changes on protein structure and function outputs the following: PolyPhen-2: "Benign". The histidine amino acid residue is found in multiple mammalian species, which suggests that this missense change does not adversely affect protein function. In summary, the available evidence is currently insufficient to determine the role of this variant in disease. Therefore, it has been classified as a Variant of Uncertain Significance.